The following is an entry in ClinVar:

ClinVar aggregate classification (germline): Uncertain significance (1 of 4 stars; one submission).

Conditions:
Long QT syndrome (LQTS). Identifiers: MedGen C0023976, MeSH D008133, MONDO:0002442. Disease mechanism: loss of function. Inheritance: Various modes of inheritance.

Allele frequency attached by ClinVar (database versions not stated): gnomAD exomes below 0.00001; TOPMed 0.00001.
gnomAD v4.1: 1 of 1,612,128 alleles (0.000062%); highest among the groups gnomAD compares: African/African-American, 0.0013%; no homozygotes.

Submission:

Labcorp Genetics (formerly Invitae), Labcorp
Classification: Uncertain significance for Long QT syndrome. Last evaluated: 2022-03-18. Review status: criteria provided, single submitter. Criteria: Invitae Variant Classification Sherloc (09022015). Collection method: clinical testing. Allele origin: germline.
Comment: In summary, the available evidence is currently insufficient to determine the role of this variant in disease. Therefore, it has been classified as a Variant of Uncertain Significance. Algorithms developed to predict the effect of missense changes on protein structure and function output the following: SIFT: "Tolerated"; PolyPhen-2: "Benign"; Align-GVGD: "Class C0". The asparagine amino acid residue is found in multiple mammalian species, which suggests that this missense change does not adversely affect protein function. ClinVar contains an entry for this variant (Variation ID: 941392). This variant has not been reported in the literature in individuals affected with SNTA1-related conditions. This variant is present in population databases (no rsID available, gnomAD 0.007%). This sequence change replaces serine, which is neutral and polar, with asparagine, which is neutral and polar, at codon 335 of the SNTA1 protein (p.Ser335Asn).

NM_003098.3(SNTA1):c.1004G>A (p.Ser335Asn)

Gene: SNTA1 (syntrophin alpha 1; minus strand). Cytogenetic location: 20q11.21.
Variant type: single nucleotide variant.
Coding change: c.1004G>A on transcript NM_003098.3 (MANE Select); coding-DNA position 1004, G replaced by A.
Protein change: p.Ser335Asn; replaces serine 335 with asparagine.
Molecular consequence: missense variant.
Genome position (GRCh38, 1-based): chr20:33,412,332, C>T on the plus strand (G>A on the coding strand, the complement: SNTA1 is on the minus strand). VCF-style: chr20-33412332-C-T. GRCh37 (hg19) VCF-style: chr20-32000138-C-T.
Other names: short protein forms S335N.
Identifiers: ClinVar variation 941392 (VCV000941392.9), dbSNP rs1425754256, ClinGen allele CA408631144.